The following is an entry in ClinVar:

ClinVar aggregate classification (germline): Benign (0 of 4 stars; one submission).

Conditions:
SLC44A1-related disorder. Also called: SLC44A1-related condition.

gnomAD v4.1: 509 of 1,549,972 alleles (0.033%); highest among the groups gnomAD compares: East Asian, 1.2%; 4 homozygotes.

Submission:

PreventionGenetics, part of Exact Sciences
Classification: Benign for SLC44A1-related condition. Last evaluated: 2024-08-30. Review status: no assertion criteria provided. Collection method: clinical testing. Allele origin: germline.
Comment: This variant is classified as benign based on ACMG/AMP sequence variant interpretation guidelines (Richards et al. 2015 PMID: 25741868, with internal and published modifications).

NM_001330731.2(SLC44A1):c.1951-9T>C

Gene: SLC44A1 (solute carrier family 44 member 1; plus strand). Cytogenetic location: 9q31.2.
Variant type: single nucleotide variant.
Coding change: c.1951-9T>C on transcript NM_001330731.2; 9 bases into the intron before coding-DNA position 1951, T replaced by C.
Molecular consequence: intron variant.
Genome position (GRCh38, 1-based): chr9:105,438,272, T>C. VCF-style: chr9-105438272-T-C. GRCh37 (hg19) VCF-style: chr9-108200553-T-C.
Identifiers: ClinVar variation 3350424 (VCV003350424.1).
Genomic context (GRCh38, chr9:105,438,272, plus strand): 5'-TTGATTACTTCTCATTGTGTCATGTTCCCCTAGGACAGAAGCATTCATTTTCTTGATGTG[T>C]TTTTTCAGCTGAAGAAAAGGTGACTGGTCTCATGAGCCCTGAAGAATGAACTCAGAGGAG-3'